The following is an entry in ClinVar:

NM_000284.4(PDHA1):c.1073_1092del (p.Glu358fs)

Gene: PDHA1 (pyruvate dehydrogenase E1 subunit alpha 1; plus strand). Cytogenetic location: Xp22.12.
Variant type: Deletion.
Coding change: c.1073_1092del on transcript NM_000284.4 (MANE Select); coding-DNA positions 1073 to 1092, 20 bases deleted (AGCCACCTTTGGAAGAGCTG).
Protein change: p.Glu358fs; shifts the reading frame from glutamic acid 358.
Molecular consequence: frameshift variant.
Genome position (GRCh38, 1-based): chrX:19,359,553-19,359,572, AGCCACCTTTGGAAGAGCTG deleted; deleting any 20 consecutive bases within chrX:19,359,550-19,359,572 gives the same sequence; the c. name uses the placement nearest the transcript's 3' end. VCF-style (leftmost placement, unchanged base first): chrX-19359549-CCTGAGCCACCTTTGGAAGAG-C. GRCh37 (hg19) VCF-style: chrX-19377667-CCTGAGCCACCTTTGGAAGAG-C.
Other names: c.1187_1206del, p.Glu396fs (NM_001173454.2); c.1094_1113del, p.Glu365fs (NM_001173455.2); c.980_999del, p.Glu327fs (NM_001173456.2); short protein forms E358fs, E365fs, E327fs, E396fs.
Identifiers: ClinVar variation 10876 (VCV000010876.2), dbSNP rs606231187, ClinGen allele CA121210.

ClinVar aggregate classification (germline): Pathogenic. Review status: no assertion criteria provided (0 of 4 stars). 2 submissions from 2 submitters: Pathogenic (2). Last evaluated 2024-10-15.

Conditions:
Pyruvate dehydrogenase E1-alpha deficiency (PDHAD). Also called: ATAXIA, INTERMITTENT, WITH PYRUVATE DEHYDROGENASE DEFICIENCY; ATAXIA WITH LACTIC ACIDOSIS I; ATAXIA, INTERMITTENT, WITH ABNORMAL PYRUVATE METABOLISM; Ataxia, intermittent, with pyruvate dehydrogenase, or decarboxylase, deficiency. Identifiers: Orphanet 79243, MedGen C1839413, MONDO:0010717, OMIM 312170.

Submissions (2):

PDHA1 Study Group, University Children’s Hospital, Paracelsus Medical University
Classification: Pathogenic for Pyruvate dehydrogenase E1-alpha deficiency. Last evaluated: 2024-10-15. Review status: no assertion criteria provided. Collection method: research. Allele origin: de novo. Affected: yes. Observed: 2 variant alleles.
Comment: The NM_000284.3:c.1073_1092del (p.Glu358GlyfsTer12) change is a frameshift variant in PDHA1 gene. This variant is predicted to escape nonsense-mediated decay (NMD). In total, 2 individuals were diagnosed with PDHA1-related Pyruvate dehydrogenase complex (PDHc) deficiency (MIM #312170). Among them, 1 case had confirmed de novo occurrence. The variant has been reported in 2 published cases (PMIDs: 1907799, 22079328). Last literature search: July 12, 2024. This variant is absent or extremely rare in population-based cohorts in the Genome Aggregation Database (gnomAD). Individuals harboring this variant presented with clinical features compatible with PDHA1-related PDHc deficiency. In summary, this variant meets criteria to be classified as pathogenic (P) for PDHA1-related PDHc deficiency based on the ACMG/AMP criteria applied: PVS1, PS2, PM2, PM7 (last assessment October 15, 2024).

OMIM
Classification: Pathogenic for PYRUVATE DEHYDROGENASE E1-ALPHA DEFICIENCY. Last evaluated: 1991-08-01. Review status: no assertion criteria provided. Collection method: literature only. Allele origin: germline.

Literature cited by the submitters: PubMed 1907799 (cited by PDHA1 Study Group, University Children’s Hospital, Paracelsus Medical University and OMIM); PubMed 22079328 (cited by PDHA1 Study Group, University Children’s Hospital, Paracelsus Medical University); DOI 10.1093/brain/awaf430 (cited by PDHA1 Study Group, University Children’s Hospital, Paracelsus Medical University).